The following is an entry in ClinVar:

ClinVar aggregate classification (germline): Likely benign (1 of 4 stars; one submission).

Allele frequency attached by ClinVar (database versions not stated): gnomAD 0.00019; TOPMed 0.00025; ESP Exome Variant Server 0.00033.
gnomAD v4.1: 118 of 1,613,302 alleles (0.0073%); highest among the groups gnomAD compares: Middle Eastern, 0.049%; no homozygotes.

Submission:

CeGaT Center for Human Genetics Tuebingen
Classification: Likely benign. Last evaluated: 2022-11-01. Review status: criteria provided, single submitter. Criteria: CeGaT Center For Human Genetics Tuebingen Variant Classification Criteria Version 2. Collection method: clinical testing. Allele origin: germline. Affected: yes. Observed: 1 variant allele.
Comment: SVEP1: BP4, BP7

NM_153366.4(SVEP1):c.10092C>T (p.Pro3364=)

Gene: SVEP1 (sushi, von Willebrand factor type A, EGF and pentraxin domain containing 1; minus strand). Cytogenetic location: 9q31.3.
Variant type: single nucleotide variant.
Coding change: c.10092C>T on transcript NM_153366.4 (MANE Select); coding-DNA position 10092, C replaced by T.
Protein change: p.Pro3364=; no amino-acid change (proline 3364 retained).
Molecular consequence: synonymous variant.
Genome position (GRCh38, 1-based): chr9:110,386,043, G>A on the plus strand (C>T on the coding strand, the complement: SVEP1 is on the minus strand). VCF-style: chr9-110386043-G-A. GRCh37 (hg19) VCF-style: chr9-113148323-G-A.
Identifiers: ClinVar variation 2659411 (VCV002659411.24), dbSNP rs370352992, ClinGen allele CA5181442.